The following is an entry in ClinVar:

ClinVar aggregate classification (germline): Uncertain significance (1 of 4 stars; one submission).

Submission:

GeneDx
Classification: Uncertain significance. Last evaluated: 2016-01-26. Review status: criteria provided, single submitter. Criteria: GeneDx Variant Classification (06012015). Collection method: clinical testing. Allele origin: germline. Affected: yes.
Comment: This variant is denoted PMS2 c.1688_1689delGAinsAG at the cDNA level and p.Arg563Gln (R563Q) at the protein level.The normal sequence, with the bases that are deleted in braces and inserted in brackets, is TTTC{GA}[AG]GTTT.This in frame deletion and insertion results in the missense change of an Arginine to a Glutamine (CGA>CAG).PMS2 Arg563Gln, due to the missense substitution c.1688G>A, has been observed in tissue of 7/20 breast cancers but was absent in the normal adjacent breast tissue (Balogh 2006).PMS2 Arg563Gln was not observed in approximately 6,500 individuals of European and African American ancestry in the NHLBI Exome Sequencing Project, indicating it is not a common benign variant in these populations.Since Arginine and Glutamine differ in some properties, this is considered a semi-conservative amino acid substitution.PMS2 Arg563Gln occurs at a position that is not conserved across species and is not located in a known functional domain (Guarne 2001, Fukui 2011).In addition, in silico analyses predict that this variant is unlikely to alter protein structure or function. Based on currently available information, we consider PMS2 Arg563Gln to be a variant of uncertain significance.

NM_000535.7(PMS2):c.1689_1690del (p.Val564fs)

Gene: PMS2 (PMS1 homolog 2, mismatch repair system component; minus strand). Cytogenetic location: 7p22.1.
Variant type: Deletion.
Coding change: c.1689_1690del on transcript NM_000535.7 (MANE Select); coding-DNA positions 1689 to 1690, 2 bases deleted (AG; older notation c.1689_1690delAG).
Protein change: p.Val564fs; shifts the reading frame from valine 564.
Molecular consequence: frameshift variant. On other transcripts: non-coding transcript variant (1).
Genome position (GRCh38, 1-based): chr7:5,987,075-5,987,076, CT deleted on the plus strand (AG on the coding strand, the reverse complement: PMS2 is on the minus strand); deleting any 2 consecutive bases within chr7:5,987,075-5,987,077 gives the same sequence; the c. name uses the placement nearest the transcript's 3' end. VCF-style (leftmost placement, unchanged base first): chr7-5987074-ACT-A. GRCh37 (hg19) VCF-style: chr7-6026705-ACT-A.
Other names: c.1284_1285del, p.Val429fs (NM_001322003.2, NM_001322004.2, NM_001322005.2 and 1 more transcripts); c.1533_1534del, p.Val512fs (NM_001322006.2); c.1371_1372del, p.Val458fs (NM_001322007.2, NM_001322008.2); c.1128_1129del, p.Val377fs (NM_001322010.2); c.756_757del, p.Val253fs (NM_001322011.2, NM_001322012.2); c.1116_1117del, p.Val373fs (NM_001322013.2); c.1689_1690del, p.Val564fs (NM_001322014.2); c.1380_1381del, p.Val461fs (NM_001322015.2); short protein forms V377fs, V512fs, V429fs, V564fs, V458fs, V253fs, V373fs, V461fs.
Identifiers: ClinVar variation 234394 (VCV000234394.1), dbSNP rs876661004, ClinGen allele CA10577338.
Genomic context (GRCh38, chr7:5,987,074, plus strand): 5'-ATTTCTTCTTTTTTAAAACGCTTTGTGTTTGGGGTTGCGAGATTAGTTGGCTGAGGCAAA[ACT>A]CGAAATTTACATCCGGTATCTTCCTGGTTTGAATGGCAGTCCACATCTGAAAAAGAGTCG-3'